The following is an entry in ClinVar:

NM_198904.4(GABRG2):c.334A>C (p.Thr112Pro)

Gene: GABRG2 (gamma-aminobutyric acid type A receptor subunit gamma2; plus strand). Cytogenetic location: 5q34.
Variant type: single nucleotide variant.
Coding change: c.334A>C on transcript NM_198904.4 (MANE Select); coding-DNA position 334, A replaced by C.
Protein change: p.Thr112Pro; replaces threonine 112 with proline.
Molecular consequence: missense variant. On other transcripts: intron variant (2).
Genome position (GRCh38, 1-based): chr5:162,097,644, A>C. VCF-style: chr5-162097644-A-C. GRCh37 (hg19) VCF-style: chr5-161524650-A-C.
Other names: c.334A>C, p.Thr112Pro (NM_000816.3, NM_001375340.1, NM_001375341.1 and 4 more transcripts); c.325A>C, p.Thr109Pro (NM_001375339.1); c.268A>C, p.Thr90Pro (NM_001375345.1, NM_001375346.1); c.247A>C, p.Thr83Pro (NM_001375347.1); c.49A>C, p.Thr17Pro (NM_001375349.1); c.-31-56A>C (NM_001375350.1, NM_001375348.1); short protein forms T17P, T83P, T112P, T90P, T109P.
Identifiers: ClinVar variation 2941514 (VCV002941514.3), dbSNP rs111782778, ClinGen allele CA362183684.
Genomic context (GRCh38, chr5:162,097,644, plus strand): 5'-AAAAAGATAATCTTACTGTGTACAAATTTTCTGTTTATCATTTTATTAAAACAGGAATAC[A>C]CTATTGATATATTTTTTGCGCAAACGTGGTATGACAGACGTTTGAAATTTAACAGCACCA-3'
Protein context (NP_944494.1, residues 102-122): GPVNAINMEY[Thr112Pro]IDIFFAQTWY

ClinVar aggregate classification (germline): Pathogenic (1 of 4 stars; one submission).

Conditions:
EPILEPSY, CHILDHOOD ABSENCE, SUSCEPTIBILITY TO, 2 (ECA2). Identifiers: Orphanet 64280, MedGen C1843244, OMIM 607681.
Febrile seizures, familial, 8 (FEB8). Also called: CONVULSIONS, FAMILIAL FEBRILE, 8. Identifiers: Orphanet 36387, MedGen C1969810, MONDO:0011891, OMIM 607681.

Submission:

Labcorp Genetics (formerly Invitae), Labcorp
Classification: Pathogenic for Febrile seizures, familial, 8; EPILEPSY, CHILDHOOD ABSENCE, SUSCEPTIBILITY TO, 2. Last evaluated: 2024-01-02. Review status: criteria provided, single submitter. Criteria: Invitae Variant Classification Sherloc (09022015). Collection method: clinical testing. Allele origin: germline.
Comment: This sequence change replaces threonine, which is neutral and polar, with proline, which is neutral and non-polar, at codon 112 of the GABRG2 protein (p.Thr112Pro). This variant is not present in population databases (gnomAD no frequency). This missense change has been observed in individual(s) with clinical features of GABRG2-related conditions (Invitae). In at least one individual the variant was observed to be de novo. Advanced modeling of protein sequence and biophysical properties (such as structural, functional, and spatial information, amino acid conservation, physicochemical variation, residue mobility, and thermodynamic stability) performed at Invitae indicates that this missense variant is expected to disrupt GABRG2 protein function with a positive predictive value of 95%. For these reasons, this variant has been classified as Pathogenic.